The following is an entry in ClinVar:

ClinVar aggregate classification (germline): Uncertain significance (1 of 4 stars; one submission).

Conditions:
Methylcobalamin deficiency type cblE (HMAE). Also called: VITAMIN B12-RESPONSIVE HOMOCYSTINURIA, cblE TYPE; HOMOCYSTINURIA-MEGALOBLASTIC ANEMIA, cblE TYPE; HOMOCYSTINURIA-MEGALOBLASTIC ANEMIA, cblE COMPLEMENTATION TYPE. Identifiers: Orphanet 2169, Orphanet 622, MedGen C1856057, MONDO:0009354, OMIM 236270.

Allele frequency attached by ClinVar (database versions not stated): gnomAD exomes below 0.00001; gnomAD 0.00001; TOPMed 0.00001.
gnomAD v4.1: 8 of 1,614,128 alleles (0.0005%); highest among the groups gnomAD compares: African/African-American, 0.004%; no homozygotes.

Submission:

Labcorp Genetics (formerly Invitae), Labcorp
Classification: Uncertain significance for Methylcobalamin deficiency type cblE. Last evaluated: 2022-02-28. Review status: criteria provided, single submitter. Criteria: Invitae Variant Classification Sherloc (09022015). Collection method: clinical testing. Allele origin: germline.
Comment: This sequence change replaces histidine, which is basic and polar, with arginine, which is basic and polar, at codon 509 of the MTRR protein (p.His509Arg). This variant is present in population databases (no rsID available, gnomAD 0.003%). This variant has not been reported in the literature in individuals affected with MTRR-related conditions. Algorithms developed to predict the effect of missense changes on protein structure and function output the following: SIFT: "Tolerated"; PolyPhen-2: "Benign"; Align-GVGD: "Class C0". The arginine amino acid residue is found in multiple mammalian species, which suggests that this missense change does not adversely affect protein function. In summary, the available evidence is currently insufficient to determine the role of this variant in disease. Therefore, it has been classified as a Variant of Uncertain Significance.

NM_002454.3(MTRR):c.1526A>G (p.His509Arg)

Gene: MTRR (5-methyltetrahydrofolate-homocysteine methyltransferase reductase; plus strand). Cytogenetic location: 5p15.31.
Variant type: single nucleotide variant.
Coding change: c.1526A>G on transcript NM_002454.3 (MANE Select); coding-DNA position 1526, A replaced by G.
Protein change: p.His509Arg; replaces histidine 509 with arginine.
Molecular consequence: missense variant. On other transcripts: non-coding transcript variant (14).
Genome position (GRCh38, 1-based): chr5:7,892,882, A>G. VCF-style: chr5-7892882-A-G. GRCh37 (hg19) VCF-style: chr5-7892995-A-G.
Other names: c.1526A>G, p.His509Arg (NM_001364440.2, NM_001364441.2, NM_001364442.2 and 1 more transcripts); short protein forms H509R.
Identifiers: ClinVar variation 2084641 (VCV002084641.1), dbSNP rs923228298, ClinGen allele CA113811876.